The following is an entry in ClinVar:

ClinVar aggregate classification (germline): Conflicting classifications of pathogenicity. Review status: criteria provided, conflicting classifications (1 of 4 stars). 6 submissions from 6 submitters: Uncertain significance (3); Likely benign (2). 1 of the submissions does not count toward it. Last evaluated 2026-01-28.

Conditions:
Usher syndrome type 1F (USH1F). Also called: USHER SYNDROME, TYPE IF. Identifiers: Orphanet 231169, Orphanet 886, MedGen C1865885, MONDO:0011186, OMIM 602083.

Allele frequency attached by ClinVar (database versions not stated): 1000 Genomes Project below 0.00001; gnomAD exomes 0.00007 and 0.00018; ESP Exome Variant Server 0.00008; gnomAD 0.00010 and 0.00012; ExAC 0.00014; TOPMed 0.00028; 1000 Genomes Project 30x 0.00031.

Submissions (6):

Labcorp Genetics (formerly Invitae), Labcorp
Classification: Likely benign. Last evaluated: 2026-01-28. Review status: criteria provided, single submitter. Criteria: Invitae Variant Classification Sherloc (09022015). Collection method: clinical testing. Allele origin: germline.

Blueprint Genetics
Classification: Likely benign. Last evaluated: 2024-06-06. Review status: criteria provided, single submitter. Criteria: ACMG Guidelines, 2015. Collection method: clinical testing. Allele origin: germline.

GeneDx
Classification: Uncertain significance. Last evaluated: 2023-03-02. Review status: criteria provided, single submitter. Criteria: GeneDx Variant Classification Process June 2021. Collection method: clinical testing. Allele origin: germline.
Comment: Reported with a CDH23 variant on the same allele (in cis) in a patient with Usher syndrome in published literature (Jaijo et al., 2012); In silico analysis supports that this missense variant has a deleterious effect on protein structure/function; This variant is associated with the following publications: (PMID: 22815625, 32483926)

ARUP Laboratories, Molecular Genetics and Genomics, ARUP Laboratories
Classification: Uncertain significance. Last evaluated: 2018-01-28. Review status: criteria provided, single submitter. Criteria: ARUP Molecular Germline Variant Investigation Process. Collection method: clinical testing. Allele origin: germline.
Comment: This variant is listed in the Genome Aggregation Database (gnomAD) with a frequency of 0.1 percent in the Latino population (identified on 37 out of 34,418 chromosomes), and has been reported to the ClinVar database (Variation ID: 290793). The asparagine at position 174 is moderately conserved considering 12 species (Alamut v2.10) and computational analyses of the p.Asn174Ser variant on protein structure and function indicate a deleterious effect (SIFT: damaging, MutationTaster: disease causing, PolyPhen-2: possibly damaging). Altogether, there is not enough evidence to classify the p.Asn174Ser variant with certainty.

Eurofins Ntd Llc (ga)
Classification: Uncertain significance. Last evaluated: 2016-09-06. Review status: criteria provided, single submitter. Criteria: EGL Classification Definitions 2015. Collection method: clinical testing. Allele origin: germline. Observed: 1 variant allele, 1 heterozygote.

Natera, Inc.
Classification: Uncertain significance for Usher syndrome type 1F. Last evaluated: 2020-09-16. Review status: no assertion criteria provided. Collection method: clinical testing. Allele origin: germline. Not counted in ClinVar's aggregate classification.

NM_001384140.1(PCDH15):c.521A>G (p.Asn174Ser)

Gene: PCDH15 (protocadherin related 15; minus strand). Cytogenetic location: 10q21.1.
Variant type: single nucleotide variant.
Coding change: c.521A>G on transcript NM_001384140.1 (MANE Select); coding-DNA position 521, A replaced by G.
Protein change: p.Asn174Ser; replaces asparagine 174 with serine.
Molecular consequence: missense variant.
Genome position (GRCh38, 1-based): chr10:54,346,438, T>C on the plus strand (A>G on the coding strand, the complement: PCDH15 is on the minus strand). VCF-style: chr10-54346438-T-C. GRCh37 (hg19) VCF-style: chr10-56106198-T-C.
Other names: c.536A>G, p.Asn179Ser (NM_001142763.2, NM_001142769.4, NM_001142771.2); c.521A>G, p.Asn174Ser (NM_001142764.2, NM_001142765.2, NM_001142766.2 and 8 more transcripts); c.455A>G, p.Asn152Ser (NM_001142768.2, NM_001142773.2, NM_001354404.2); short protein forms N174S, N152S, N179S.
Identifiers: ClinVar variation 290793 (VCV000290793.22), dbSNP rs145037203, ClinGen allele CA5506668.